The following is an entry in ClinVar:

ClinVar aggregate classification (germline): Uncertain significance. Review status: criteria provided, multiple submitters, no conflicts (2 of 4 stars). 2 submissions from 2 submitters: Uncertain significance (2). Last evaluated 2025-05-06.

Conditions:
Encephalopathy, acute, infection-induced (herpes-specific), susceptibility to, 6. Also called: Herpes simplex encephalitis, susceptibility to, 4. Identifiers: Orphanet 1930, MedGen C3553869, MONDO:0013921, OMIM 614850.

Allele frequency attached by ClinVar (database versions not stated): ExAC 0.00002; gnomAD 0.00001; TOPMed 0.00001; gnomAD exomes 0.00001.

Submissions (2):

Ambry Genetics
Classification: Uncertain significance. Last evaluated: 2025-05-06. Review status: criteria provided, single submitter. Criteria: Ambry Variant Classification Scheme 2023. Collection method: clinical testing. Allele origin: germline.

Labcorp Genetics (formerly Invitae), Labcorp
Classification: Uncertain significance for Encephalopathy, acute, infection-induced (herpes-specific), susceptibility to, 6. Last evaluated: 2021-06-19. Review status: criteria provided, single submitter. Criteria: Invitae Variant Classification Sherloc (09022015). Collection method: clinical testing. Allele origin: germline.
Comment: Algorithms developed to predict the effect of missense changes on protein structure and function output the following: SIFT: "Tolerated"; PolyPhen-2: "Benign"; Align-GVGD: "Class C0". The glutamine amino acid residue is found in multiple mammalian species, suggesting that this missense change does not adversely affect protein function. These predictions have not been confirmed by published functional studies and their clinical significance is uncertain. This sequence change replaces arginine with glutamine at codon 536 of the TICAM1 protein (p.Arg536Gln). The arginine residue is moderately conserved and there is a small physicochemical difference between arginine and glutamine. This variant is present in population databases (rs779772992, ExAC 0.005%). This variant has not been reported in the literature in individuals with TICAM1-related conditions. In summary, the available evidence is currently insufficient to determine the role of this variant in disease. Therefore, it has been classified as a Variant of Uncertain Significance.

NM_182919.4(TICAM1):c.1607G>A (p.Arg536Gln)

Gene: TICAM1 (TIR domain containing adaptor molecule 1; minus strand). Cytogenetic location: 19p13.3.
Variant type: single nucleotide variant.
Coding change: c.1607G>A on transcript NM_182919.4 (MANE Select); coding-DNA position 1607, G replaced by A.
Protein change: p.Arg536Gln; replaces arginine 536 with glutamine.
Molecular consequence: missense variant.
Genome position (GRCh38, 1-based): chr19:4,816,771, C>T on the plus strand (G>A on the coding strand, the complement: TICAM1 is on the minus strand). VCF-style: chr19-4816771-C-T. GRCh37 (hg19) VCF-style: chr19-4816783-C-T.
Other names: c.1565G>A, p.Arg522Gln (NM_001385678.1); c.1472G>A, p.Arg491Gln (NM_001385679.1); c.965G>A, p.Arg322Gln (NM_001385680.1); c.1607G>A (NM_182919.2); short protein forms R322Q, R536Q, R491Q, R522Q.
Identifiers: ClinVar variation 1426695 (VCV001426695.9), dbSNP rs779772992, ClinGen allele CA9105099.